The following is an entry in ClinVar:

NM_006070.6(TFG):c.1154G>A (p.Arg385His)

Gene: TFG (trafficking from ER to golgi regulator; plus strand). Cytogenetic location: 3q12.2.
Variant type: single nucleotide variant.
Coding change: c.1154G>A on transcript NM_006070.6 (MANE Select); coding-DNA position 1154, G replaced by A.
Protein change: p.Arg385His; replaces arginine 385 with histidine.
Molecular consequence: missense variant.
Genome position (GRCh38, 1-based): chr3:100,748,482, G>A. VCF-style: chr3-100748482-G-A. GRCh37 (hg19) VCF-style: chr3-100467326-G-A.
Other names: c.1154G>A, p.Arg385His (NM_001007565.2, NM_001195478.2); c.1142G>A, p.Arg381His (NM_001195479.2); short protein forms R385H, R381H.
Identifiers: ClinVar variation 851831 (VCV000851831.10), dbSNP rs373719892, ClinGen allele CA2517262.

ClinVar aggregate classification (germline): Uncertain significance. Review status: criteria provided, multiple submitters, no conflicts (2 of 4 stars). 2 submissions from 2 submitters: Uncertain significance (2). Last evaluated 2026-01-14.

Conditions:
Hereditary motor and sensory neuropathy, Okinawa type (HMSNO). Also called: HEREDITARY MOTOR AND SENSORY NEUROPATHY, PROXIMAL TYPE. Identifiers: Orphanet 90117, MedGen C1858338, MONDO:0011468, OMIM 604484.
Hereditary spastic paraplegia 57. Also called: Spastic paraplegia 57, autosomal recessive. Identifiers: Orphanet 431329, MedGen C3714897, MONDO:0014295, OMIM 615658.

Allele frequency attached by ClinVar (database versions not stated): ExAC 0.00002; ESP Exome Variant Server 0.00008; gnomAD exomes 0.00004; TOPMed 0.00002; gnomAD 0.00003.
gnomAD v4.1: 60 of 1,613,810 alleles (0.0037%); highest among the groups gnomAD compares: South Asian, 0.0077%; no homozygotes.

Submissions (2):

Labcorp Genetics (formerly Invitae), Labcorp
Classification: Uncertain significance for Hereditary motor and sensory neuropathy, Okinawa type; Hereditary spastic paraplegia 57. Last evaluated: 2026-01-14. Review status: criteria provided, single submitter. Criteria: Invitae Variant Classification Sherloc (09022015). Collection method: clinical testing. Allele origin: germline.
Comment: This sequence change replaces arginine, which is basic and polar, with histidine, which is basic and polar, at codon 385 of the TFG protein (p.Arg385His). This variant is present in population databases (rs373719892, gnomAD 0.01%). This variant has not been reported in the literature in individuals affected with TFG-related conditions. ClinVar contains an entry for this variant (Variation ID: 851831). Invitae Evidence Modeling of protein sequence and biophysical properties (such as structural, functional, and spatial information, amino acid conservation, physicochemical variation, residue mobility, and thermodynamic stability) indicates that this missense variant is not expected to disrupt TFG protein function with a negative predictive value of 80%. In summary, the available evidence is currently insufficient to determine the role of this variant in disease. Therefore, it has been classified as a Variant of Uncertain Significance.

ARUP Laboratories, Molecular Genetics and Genomics, ARUP Laboratories
Classification: Uncertain significance. Last evaluated: 2022-04-01. Review status: criteria provided, single submitter. Criteria: ARUP Molecular Germline Variant Investigation Process 2021. Collection method: clinical testing. Allele origin: germline.
Comment: The TFG c.1154G>A; p.Arg385His variant (rs373719892), to our knowledge, is not reported in the medical literature but is reported in ClinVar (Variation ID: 851831). This variant is found in the general population with an overall allele frequency of 0.004% (10/282038 alleles) in the Genome Aggregation Database. The arginine at codon 385 is highly conserved but computational analyses are uncertain whether this variant is neutral or deleterious (REVEL: 0.323). Due to limited information, the clinical significance of this variant is uncertain at this time.